The following is an entry in ClinVar:

ClinVar aggregate classification (germline): Uncertain significance (1 of 4 stars; one submission).

Conditions:
Long QT syndrome (LQTS). Identifiers: MedGen C0023976, MeSH D008133, MONDO:0002442. Disease mechanism: loss of function. Inheritance: Various modes of inheritance.

Submission:

Labcorp Genetics (formerly Invitae), Labcorp
Classification: Uncertain significance for Long QT syndrome. Last evaluated: 2020-03-18. Review status: criteria provided, single submitter. Criteria: Invitae Variant Classification Sherloc (09022015). Collection method: clinical testing. Allele origin: germline.
Comment: This sequence change creates a premature translational stop signal (p.Glu814*) in the CACNA1C gene. It is expected to result in an absent or disrupted protein product. This variant is not present in population databases (ExAC no frequency). This variant has not been reported in the literature in individuals with CACNA1C-related conditions. The current clinical and genetic evidence is not sufficient to establish whether loss-of-function variants in CACNA1C cause disease. In summary, the available evidence is currently insufficient to determine the role of this variant in disease. Therefore, it has been classified as a Variant of Uncertain Significance.

NM_000719.7(CACNA1C):c.2440G>T (p.Glu814Ter)

Gene: CACNA1C (calcium voltage-gated channel subunit alpha1 C; plus strand). Cytogenetic location: 12p13.33.
Variant type: single nucleotide variant.
Coding change: c.2440G>T on transcript NM_000719.7 (MANE Select); coding-DNA position 2440, G replaced by T.
Protein change: p.Glu814Ter; replaces glutamic acid 814 with a stop codon.
Molecular consequence: nonsense.
Genome position (GRCh38, 1-based): chr12:2,585,476, G>T. VCF-style: chr12-2585476-G-T. GRCh37 (hg19) VCF-style: chr12-2694642-G-T.
Other names: c.2440G>T, p.Glu814Ter (NM_001129827.2, NM_001129829.2, NM_001129830.3 and 18 more transcripts); c.2431G>T, p.Glu811Ter (NM_001129844.2); short protein forms E811*, E814*.
Identifiers: ClinVar variation 1061609 (VCV001061609.7), dbSNP rs1555835190, ClinGen allele CA383371825.